The following is an entry in ClinVar:

ClinVar aggregate classification (germline): Likely benign (0 of 4 stars; one submission).

Conditions:
SEMA3F-related disorder. Also called: SEMA3F-related condition.

Allele frequency attached by ClinVar (database versions not stated): gnomAD 0.00007; gnomAD exomes 0.00007; TOPMed 0.00011; ExAC 0.00020; 1000 Genomes Project 30x 0.00047; 1000 Genomes Project 0.00060.
gnomAD v4.1: 109 of 1,613,764 alleles (0.0068%); highest among the groups gnomAD compares: East Asian, 0.24%; no homozygotes.

Submission:

PreventionGenetics, part of Exact Sciences
Classification: Likely benign for SEMA3F-related condition. Last evaluated: 2023-12-27. Review status: no assertion criteria provided. Collection method: clinical testing. Allele origin: germline.
Comment: This variant is classified as likely benign based on ACMG/AMP sequence variant interpretation guidelines (Richards et al. 2015 PMID: 25741868, with internal and published modifications).

NM_004186.5(SEMA3F):c.338G>T (p.Gly113Val)

Gene: SEMA3F (semaphorin 3F; plus strand). Cytogenetic location: 3p21.31.
Variant type: single nucleotide variant.
Coding change: c.338G>T on transcript NM_004186.5 (MANE Select); coding-DNA position 338, G replaced by T.
Protein change: p.Gly113Val; replaces glycine 113 with valine.
Molecular consequence: missense variant.
Genome position (GRCh38, 1-based): chr3:50,174,232, G>T. VCF-style: chr3-50174232-G-T. GRCh37 (hg19) VCF-style: chr3-50211665-G-T.
Other names: c.134G>T, p.Gly45Val (NM_001318798.2); c.338G>T, p.Gly113Val (NM_001318800.2); short protein forms G113V, G45V.
Identifiers: ClinVar variation 3031796 (VCV003031796.2), dbSNP rs199591994, ClinGen allele CA2411734.
Genomic context (GRCh38, chr3:50,174,232, plus strand): 5'-CCCCCAGTGAGGGGGCAGGCCTGGCCAGGGCACCTATGCAGCCTTCCCTGTGGCCCCAGG[G>T]CGAGTGTGGGAACTTCGTCAGGCTCATCCAGCCCTGGAACCGAACACACCTGTATGTGTG-3'
Protein context (NP_004177.3, residues 103-123): ECVLSGKDVN[Gly113Val]ECGNFVRLIQ